The following is an entry in ClinVar:

ClinVar aggregate classification (germline): Uncertain significance (1 of 4 stars; one submission).

Conditions:
Gastrointestinal stromal tumor. Also called: Gastrointestinal stroma tumor; Gastrointestinal stromal tumor, somatic. Identifiers: Orphanet 44890, MedGen C0238198, MeSH D046152, MONDO:0011719, OMIM 606764, HP:0100723.
Pheochromocytoma/paraganglioma syndrome 4. Also called: CAROTID BODY TUMORS AND MULTIPLE EXTRAADRENAL PHEOCHROMOCYTOMAS; SDHB-Related Hereditary Paraganglioma-Pheochromocytoma Syndrome; PARAGANGLIOMA, FAMILIAL MALIGNANT; PARAGANGLIOMAS, HEREDITARY EXTRAADRENAL; PHEOCHROMOCYTOMA, FAMILIAL EXTRAADRENAL; Paragangliomas 4. Identifiers: Orphanet 29072, MedGen C1861848, MONDO:0007273, OMIM 115310.
Pheochromocytoma. Also called: MAX-Related Hereditary Paraganglioma-Pheochromocytoma Syndrome. Identifiers: Orphanet 29072, MedGen C0031511, MONDO:0008233, OMIM 171300, HP:0002666.

Submission:

Labcorp Genetics (formerly Invitae), Labcorp
Classification: Uncertain significance for Gastrointestinal stromal tumor; Pheochromocytoma/paraganglioma syndrome 4; Pheochromocytoma. Last evaluated: 2021-04-19. Review status: criteria provided, single submitter. Criteria: Invitae Variant Classification Sherloc (09022015). Collection method: clinical testing. Allele origin: germline.
Comment: In summary, the available evidence is currently insufficient to determine the role of this variant in disease. Therefore, it has been classified as a Variant of Uncertain Significance. Advanced modeling of protein sequence and biophysical properties (such as structural, functional, and spatial information, amino acid conservation, physicochemical variation, residue mobility, and thermodynamic stability) performed at Invitae indicates that this missense variant is not expected to disrupt SDHB protein function. This variant has not been reported in the literature in individuals with SDHB-related conditions. This variant is not present in population databases (ExAC no frequency). This sequence change replaces glutamic acid with valine at codon 178 of the SDHB protein (p.Glu178Val). The glutamic acid residue is moderately conserved and there is a moderate physicochemical difference between glutamic acid and valine.

NM_003000.3(SDHB):c.533A>T (p.Glu178Val)

Gene: SDHB (succinate dehydrogenase complex iron sulfur subunit B; minus strand). Cytogenetic location: 1p36.13.
Variant type: single nucleotide variant.
Coding change: c.533A>T on transcript NM_003000.3 (MANE Select); coding-DNA position 533, A replaced by T.
Protein change: p.Glu178Val; replaces glutamic acid 178 with valine.
Molecular consequence: missense variant.
Genome position (GRCh38, 1-based): chr1:17,027,756, T>A on the plus strand (A>T on the coding strand, the complement: SDHB is on the minus strand). VCF-style: chr1-17027756-T-A. GRCh37 (hg19) VCF-style: chr1-17354251-T-A.
Other names: short protein forms E178V.
Identifiers: ClinVar variation 1489328 (VCV001489328.8), dbSNP rs2101521549, ClinGen allele CA338272434.
Genomic context (GRCh38, chr1:17,027,756, plus strand): 5'-ATCATCTTTGCAATAAATTCTTCAGATTGAAACAATAAATAGGGACTAATGACCAGTTTC[T>A]CACGCTCTTCTATGGACTGCAGATACTGCTGCTTGCCTTCCTGAGATTCATCCTTCTTCT-3'
Protein context (NP_002991.2, residues 168-188): QQYLQSIEER[Glu178Val]KLDGLYECIL